The following is an entry in ClinVar:

NM_080680.3(COL11A2):c.4864-58CCCTCTGAGGCCAGCCCTCTCTCTCC[3]

Gene: COL11A2 (collagen type XI alpha 2 chain; minus strand). Cytogenetic location: 6p21.32.
Variant type: Microsatellite.
Coding change: c.4864-58CCCTCTGAGGCCAGCCCTCTCTCTCC[3] on transcript NM_080680.3 (MANE Select); three copies in a row of the 26-base unit CCCTCTGAGGCCAGCCCTCTCTCTCC starting at c.4864-58; the reference has two copies in a row; one copy, 26 bases duplicated.
Molecular consequence: intron variant.
Genome position (GRCh38, 1-based): chr6:33,164,480-33,164,505, GGAGAGAGAGGGCTGGCCTCAGAGGG duplicated on the plus strand (CCCTCTGAGGCCAGCCCTCTCTCTCC on the coding strand, the reverse complement: COL11A2 is on the minus strand); duplicating any 26 consecutive bases within chr6:33,164,480-33,164,531 gives the same sequence; the position shown is the placement nearest the transcript's 3' end. VCF-style (leftmost placement, unchanged base first): chr6-33164479-A-AGGAGAGAGAGGGCTGGCCTCAGAGGG. GRCh37 (hg19) VCF-style: chr6-33132256-A-AGGAGAGAGAGGGCTGGCCTCAGAGGG.
Other names: c.4864-32_4864-7dup26 (NM_080680.2); c.4543-58CCCTCTGAGGCCAGCCCTCTCTCTCC[3] (NM_080679.3); c.4606-58CCCTCTGAGGCCAGCCCTCTCTCTCC[3] (NM_080681.3).
Identifiers: ClinVar variation 1179776 (VCV001179776.16), dbSNP rs767389906, ClinGen allele CA566698792.

ClinVar aggregate classification (germline): Likely benign. Review status: criteria provided, multiple submitters, no conflicts (2 of 4 stars). 6 submissions from 6 submitters: Likely benign (5). 1 of the submissions does not count toward it. Last evaluated 2026-02-01.

Conditions:
COL11A2-related disorder. Also called: COL11A2-related condition; COL11A2-related disorders.

Submissions (6):

CeGaT Center for Human Genetics Tuebingen
Classification: Likely benign. Last evaluated: 2026-02-01. Review status: criteria provided, single submitter. Criteria: CeGaT Center For Human Genetics Tuebingen Variant Classification Criteria Version 2. Collection method: clinical testing. Allele origin: germline. Affected: yes. Observed: 2 variant alleles.
Comment: COL11A2: BP4

Labcorp Genetics (formerly Invitae), Labcorp
Classification: Likely benign. Last evaluated: 2026-01-26. Review status: criteria provided, single submitter. Criteria: Invitae Variant Classification Sherloc (09022015). Collection method: clinical testing. Allele origin: germline.

Laboratory of Genetics, Children's Clinical University Hospital Latvia
Classification: Likely benign. Last evaluated: 2025-02-16. Review status: criteria provided, single submitter. Criteria: ACMG Guidelines, 2015. Collection method: clinical testing. Allele origin: germline. Affected: yes.

Blueprint Genetics
Classification: Likely benign. Last evaluated: 2024-08-27. Review status: criteria provided, single submitter. Criteria: ACMG Guidelines, 2015. Collection method: clinical testing. Allele origin: germline.

GeneDx
Classification: Likely benign. Last evaluated: 2020-09-09. Review status: criteria provided, single submitter. Criteria: GeneDx Variant Classification Process June 2021. Collection method: clinical testing. Allele origin: germline. Affected: yes.

PreventionGenetics, part of Exact Sciences
Classification: Likely benign for COL11A2-related condition. Last evaluated: 2023-09-13. Review status: no assertion criteria provided. Collection method: clinical testing. Allele origin: germline. Not counted in ClinVar's aggregate classification.
Comment: This variant is classified as likely benign based on ACMG/AMP sequence variant interpretation guidelines (Richards et al. 2015 PMID: 25741868, with internal and published modifications).